The following is an entry in ClinVar:

ClinVar aggregate classification (germline): Uncertain significance. Review status: criteria provided, multiple submitters, no conflicts (2 of 4 stars). 2 submissions from 2 submitters: Uncertain significance (2). Last evaluated 2025-03-27.

Allele frequency attached by ClinVar (database versions not stated): gnomAD exomes below 0.00001; TOPMed 0.00001.
gnomAD v4.1: 8 of 1,614,068 alleles (0.0005%); highest among the groups gnomAD compares: South Asian, 0.0033%; no homozygotes.

Submissions (2):

Ambry Genetics
Classification: Uncertain significance. Last evaluated: 2025-03-27. Review status: criteria provided, single submitter. Criteria: Ambry Variant Classification Scheme 2023. Collection method: clinical testing. Allele origin: germline.
Comment: The p.T496A variant (also known as c.1486A>G), located in coding exon 8 of the RNF43 gene, results from an A to G substitution at nucleotide position 1486. The threonine at codon 496 is replaced by alanine, an amino acid with similar properties. This amino acid position is conserved. In addition, this alteration is predicted to be tolerated by in silico analysis. Based on the available evidence, the clinical significance of this variant remains unclear.

Labcorp Genetics (formerly Invitae), Labcorp
Classification: Uncertain significance. Last evaluated: 2023-09-18. Review status: criteria provided, single submitter. Criteria: Invitae Variant Classification Sherloc (09022015). Collection method: clinical testing. Allele origin: germline.
Comment: This sequence change replaces threonine, which is neutral and polar, with alanine, which is neutral and non-polar, at codon 496 of the RNF43 protein (p.Thr496Ala). This variant is not present in population databases (gnomAD no frequency). In summary, the available evidence is currently insufficient to determine the role of this variant in disease. Therefore, it has been classified as a Variant of Uncertain Significance. An algorithm developed to predict the effect of missense changes on protein structure and function (PolyPhen-2) suggests that this variant is likely to be disruptive. This variant has not been reported in the literature in individuals affected with RNF43-related conditions.

NM_017763.6(RNF43):c.1486A>G (p.Thr496Ala)

Gene: RNF43 (ring finger protein 43; minus strand). Cytogenetic location: 17q22.
Variant type: single nucleotide variant.
Coding change: c.1486A>G on transcript NM_017763.6 (MANE Select); coding-DNA position 1486, A replaced by G.
Protein change: p.Thr496Ala; replaces threonine 496 with alanine.
Molecular consequence: missense variant.
Genome position (GRCh38, 1-based): chr17:58,358,290, T>C on the plus strand (A>G on the coding strand, the complement: RNF43 is on the minus strand). VCF-style: chr17-58358290-T-C. GRCh37 (hg19) VCF-style: chr17-56435651-T-C.
Other names: c.1486A>G, p.Thr496Ala (NM_001305544.3); c.1105A>G, p.Thr369Ala (NM_001305545.2); short protein forms T496A, T369A.
Identifiers: ClinVar variation 3019877 (VCV003019877.5), dbSNP rs990151863, ClinGen allele CA292012523.
Genomic context (GRCh38, chr17:58,358,290, plus strand): 5'-CCCCTTTAGGGCTGCAGTACACTAGGGGGTCAAAGTCACTGCTTAGGGAGCTGCAGAAAG[T>C]AGAACTGCTGCCATGGACCCCCTGTAGGCTGATGTCCGTGCAGTTGACCACAGAGTCACT-3'
Protein context (NP_060233.3, residues 486-506): SLQGVHGSSS[Thr496Ala]FCSSLSSDFD